The following is an entry in ClinVar:

NM_025243.4(SLC19A3):c.80TGA[1] (p.Met28del)

Gene: SLC19A3 (solute carrier family 19 member 3; minus strand). Cytogenetic location: 2q36.3.
Variant type: Microsatellite.
Coding change: c.80TGA[1] on transcript NM_025243.4 (MANE Select); one copy of the 3-base unit TGA starting at c.80; the reference has two copies in a row; one copy, 3 bases deleted.
Protein change: p.Met28del; deletes methionine 28.
Molecular consequence: inframe deletion. On other transcripts: 5 prime UTR variant (2).
Genome position (GRCh38, 1-based): chr2:227,702,234-227,702,236, TCA deleted on the plus strand (TGA on the coding strand, the reverse complement: SLC19A3 is on the minus strand); deleting any 3 consecutive bases within chr2:227,702,234-227,702,240 gives the same sequence; the position shown is the placement nearest the transcript's 3' end. VCF-style (leftmost placement, unchanged base first): chr2-227702233-CTCA-C. GRCh37 (hg19) VCF-style: chr2-228566949-CTCA-C.
Other names: c.80TGA[1], p.Met28del (NM_001371411.1, NM_001371412.1); c.-129TGA[1] (NM_001371413.1, NM_001371414.1); short protein forms M28del.
Identifiers: ClinVar variation 2099441 (VCV002099441.4), dbSNP rs2470580875, ClinGen allele CA2580616734.

ClinVar aggregate classification (germline): Uncertain significance (1 of 4 stars; one submission).

Conditions:
Biotin-responsive basal ganglia disease (BTBGD). Also called: THIAMINE METABOLISM DYSFUNCTION SYNDROME 2 (BIOTIN- AND THIAMINE-RESPONSIVE TYPE); Thiamine Transporter-2 Deficiency; Thiamine metabolism dysfunction syndrome 2 (biotin- or thiamine-responsive encephalopathy type 2); thiamine-responsive encephalopathy; Thiamine metabolism dysfunction syndrome type 2. Identifiers: Orphanet 199348, Orphanet 65284, MedGen C1843807, MONDO:0011841, OMIM 607483.

Submission:

Labcorp Genetics (formerly Invitae), Labcorp
Classification: Uncertain significance for Biotin-responsive basal ganglia disease. Last evaluated: 2023-10-13. Review status: criteria provided, single submitter. Criteria: Invitae Variant Classification Sherloc (09022015). Collection method: clinical testing. Allele origin: germline.
Comment: This variant, c.83_85del, results in the deletion of 1 amino acid(s) of the SLC19A3 protein (p.Met28del), but otherwise preserves the integrity of the reading frame. This variant is not present in population databases (gnomAD no frequency). This variant has not been reported in the literature in individuals affected with SLC19A3-related conditions. Experimental studies and prediction algorithms are not available or were not evaluated, and the functional significance of this variant is currently unknown. In summary, the available evidence is currently insufficient to determine the role of this variant in disease. Therefore, it has been classified as a Variant of Uncertain Significance.